The following is an entry in ClinVar:

ClinVar aggregate classification (germline): Uncertain significance (1 of 4 stars; one submission).

Conditions:
Malignant hyperthermia, susceptibility to, 1 (MHS1). Also called: RYR1-Related Malignant Hyperthermia Susceptibility; Malignant hyperthermia suceptibility 1; Anesthesia related hyperthermia; Malignant hyperpyrexia; Fulminating hyperpyrexia; Pharmacogenic myopathy. Identifiers: Orphanet 423, MedGen C2930980, MONDO:0007783, OMIM 145600.

Submission:

Color Diagnostics, LLC DBA Color Health
Classification: Uncertain significance for Malignant hyperthermia, susceptibility to, 1. Last evaluated: 2025-05-25. Review status: criteria provided, single submitter. Criteria: ACMG Guidelines, 2015. Collection method: clinical testing. Allele origin: germline.
Comment: This missense variant replaces proline with histidine at codon 50 of the RYR1 protein. Computational prediction suggests that this variant may have deleterious impact on protein structure and function. To our knowledge, functional studies have not been reported for this variant. This variant has not been reported in individuals affected with RYR1-related disorders in the literature. This variant has not been identified in the general population by the Genome Aggregation Database (gnomAD). The available evidence is insufficient to determine the role of this variant in disease conclusively. Therefore, this variant is classified as a Variant of Uncertain Significance.

NM_000540.3(RYR1):c.149C>A (p.Pro50His)

Gene: RYR1 (ryanodine receptor 1; plus strand). Cytogenetic location: 19q13.2.
Variant type: single nucleotide variant.
Coding change: c.149C>A on transcript NM_000540.3 (MANE Select); coding-DNA position 149, C replaced by A.
Protein change: p.Pro50His; replaces proline 50 with histidine.
Molecular consequence: missense variant.
Genome position (GRCh38, 1-based): chr19:38,440,848, C>A. VCF-style: chr19-38440848-C-A. GRCh37 (hg19) VCF-style: chr19-38931488-C-A.
Other names: c.149C>A, p.Pro50His (NM_001042723.2); short protein forms P50H.
Identifiers: ClinVar variation 4758753 (VCV004758753.1).
Genomic context (GRCh38, chr19:38,440,848, plus strand): 5'-AGCAGCTCAAGCTCTGCCTGGCCGCCGAGGGCTTCGGCAACCGCCTGTGCTTCCTGGAGC[C>A]CACTAGCAACGCGCAGGTCTGTGCAGGAGGGAGAGGGGCCTGGGGACAGGGGCGTCTGAA-3'
Protein context (NP_000531.2, residues 40-60): GFGNRLCFLE[Pro50His]TSNAQNVPPD